The following is an entry in ClinVar:

ClinVar aggregate classification (germline): Uncertain significance (1 of 4 stars; one submission).

gnomAD v4.1: 42 of 1,614,006 alleles (0.0026%); highest among the groups gnomAD compares: East Asian, 0.0089%; no homozygotes.

Submission:

Ambry Genetics
Classification: Uncertain significance. Last evaluated: 2026-07-08. Review status: criteria provided, single submitter. Criteria: Ambry Variant Classification Scheme 2023. Collection method: clinical testing. Allele origin: germline.
Comment: The c.2012G>A (p.R671H) alteration is located in exon 9 (coding exon 8) of the MICALCL gene. This alteration results from a G to A substitution at nucleotide position 2012, causing the arginine (R) at amino acid position 671 to be replaced by a histidine (H). Based on data from gnomAD, the A allele has an overall frequency of 0.004% (10/280794) total alleles studied. The highest observed frequency was 0.026% (5/19538) of East Asian alleles. Based on insufficient or conflicting evidence, the clinical significance of this alteration remains unclear.

NM_001393937.1(MICAL2):c.5798G>A (p.Arg1933His)

Genes: MICAL2 (microtubule associated monooxygenase, calponin and LIM domain containing 2; plus strand), MICALCL (MICAL C-terminal like; plus strand). Cytogenetic location: 11p15.3.
Variant type: single nucleotide variant.
Coding change: c.5798G>A on transcript NM_001393937.1; coding-DNA position 5798, G replaced by A.
Protein change: p.Arg1933His; replaces arginine 1933 with histidine.
Molecular consequence: missense variant.
Genome position (GRCh38, 1-based): chr11:12,358,403, G>A. VCF-style: chr11-12358403-G-A. GRCh37 (hg19) VCF-style: chr11-12379950-G-A.
Other names: NM_032867.2:c.2012G>A; short protein forms R1933H.
Identifiers: ClinVar variation 5024461 (VCV005024461.1).
Genomic context (GRCh38, chr11:12,358,403, plus strand): 5'-CCGAGCTGATGCAAGTGATTGAGCAAAGGGACAAACTCGTCGATTCCTTAGAGGAACAAC[G>A]CATCAGAGAAAAAGCCGAGGACCAGCACTTTGAAAGCTTCGTATTCTCCAGAGGCTGTCA-3'